The following is an entry in ClinVar:

NM_001292063.2(OTOG):c.1205G>A (p.Arg402Gln)

Gene: OTOG (otogelin; plus strand). Cytogenetic location: 11p15.1.
Variant type: single nucleotide variant.
Coding change: c.1205G>A on transcript NM_001292063.2 (MANE Select); coding-DNA position 1205, G replaced by A.
Protein change: p.Arg402Gln; replaces arginine 402 with glutamine.
Molecular consequence: missense variant.
Genome position (GRCh38, 1-based): chr11:17,559,153, G>A. VCF-style: chr11-17559153-G-A. GRCh37 (hg19) VCF-style: chr11-17580700-G-A.
Other names: c.1241G>A, p.Arg414Gln (NM_001277269.2); short protein forms R402Q, R414Q.
Identifiers: ClinVar variation 1491389 (VCV001491389.7), dbSNP rs753910841, ClinGen allele CA5905460.

ClinVar aggregate classification (germline): Uncertain significance. Review status: criteria provided, multiple submitters, no conflicts (2 of 4 stars). 3 submissions from 3 submitters: Uncertain significance (3). Last evaluated 2025-09-12.

Allele frequency attached by ClinVar (database versions not stated): gnomAD exomes 0.00008; TOPMed 0.00015; gnomAD 0.00018; ExAC 0.00026.
gnomAD v4.1: 97 of 1,537,832 alleles (0.0063%); highest among the groups gnomAD compares: African/African-American, 0.056%; no homozygotes.

Submissions (3):

GeneDx
Classification: Uncertain significance. Last evaluated: 2025-09-12. Review status: criteria provided, single submitter. Criteria: GeneDx Variant Classification Process June 2021. Collection method: clinical testing. Allele origin: germline.
Comment: In silico analysis suggests that this missense variant does not alter protein structure/function; Has not been previously published as pathogenic or benign to our knowledge

Blueprint Genetics
Classification: Uncertain significance. Last evaluated: 2024-05-15. Review status: criteria provided, single submitter. Criteria: ACMG Guidelines, 2015. Collection method: clinical testing. Allele origin: germline.

Labcorp Genetics (formerly Invitae), Labcorp
Classification: Uncertain significance. Last evaluated: 2022-07-14. Review status: criteria provided, single submitter. Criteria: Invitae Variant Classification Sherloc (09022015). Collection method: clinical testing. Allele origin: germline.
Comment: In summary, the available evidence is currently insufficient to determine the role of this variant in disease. Therefore, it has been classified as a Variant of Uncertain Significance. Algorithms developed to predict the effect of missense changes on protein structure and function output the following: SIFT: "Tolerated"; PolyPhen-2: "Benign"; Align-GVGD: "Class C0". The glutamine amino acid residue is found in multiple mammalian species, which suggests that this missense change does not adversely affect protein function. ClinVar contains an entry for this variant (Variation ID: 1491389). This variant has not been reported in the literature in individuals affected with OTOG-related conditions. This variant is present in population databases (rs753910841, gnomAD 0.03%). This sequence change replaces arginine, which is basic and polar, with glutamine, which is neutral and polar, at codon 414 of the OTOG protein (p.Arg414Gln).